The following is an entry in ClinVar:

NM_018896.5(CACNA1G):c.3662G>A (p.Gly1221Glu)

Gene: CACNA1G (calcium voltage-gated channel subunit alpha1 G; plus strand). Cytogenetic location: 17q21.33.
Variant type: single nucleotide variant.
Coding change: c.3662G>A on transcript NM_018896.5 (MANE Select); coding-DNA position 3662, G replaced by A.
Protein change: p.Gly1221Glu; replaces glycine 1221 with glutamic acid.
Molecular consequence: missense variant. On other transcripts: non-coding transcript variant (5).
Genome position (GRCh38, 1-based): chr17:50,599,831, G>A. VCF-style: chr17-50599831-G-A. GRCh37 (hg19) VCF-style: chr17-48677192-G-A.
Other names: c.3662G>A, p.Gly1221Glu (NM_001256334.2, NM_001256359.2, NM_001256360.2 and 16 more transcripts); c.3593G>A, p.Gly1198Glu (NM_198376.3, NM_198379.3, NM_001256332.2 and 5 more transcripts); short protein forms G1198E, G1221E.
Identifiers: ClinVar variation 4538812 (VCV004538812.1).

ClinVar aggregate classification (germline): Uncertain significance (1 of 4 stars; one submission).

gnomAD v4.1: 1 of 1,610,066 alleles (0.000062%); highest among the groups gnomAD compares: Non-Finnish European, 0.000085%; no homozygotes.

Submission:

GeneDx
Classification: Uncertain significance. Last evaluated: 2025-06-20. Review status: criteria provided, single submitter. Criteria: GeneDx Variant Classification Process June 2021. Collection method: clinical testing. Allele origin: germline. Affected: yes.
Comment: Not observed at significant frequency in large population cohorts (gnomAD); In silico analysis suggests that this missense variant does not alter protein structure/function; Has not been previously published as pathogenic or benign to our knowledge